The following is an entry in ClinVar:

NM_138715.3(MSR1):c.217G>A (p.Ala73Thr)

Gene: MSR1 (macrophage scavenger receptor 1; minus strand). Cytogenetic location: 8p22.
Variant type: single nucleotide variant.
Coding change: c.217G>A on transcript NM_138715.3 (MANE Select); coding-DNA position 217, G replaced by A.
Protein change: p.Ala73Thr; replaces alanine 73 with threonine.
Molecular consequence: missense variant.
Genome position (GRCh38, 1-based): chr8:16,175,187, C>T on the plus strand (G>A on the coding strand, the complement: MSR1 is on the minus strand). VCF-style: chr8-16175187-C-T. GRCh37 (hg19) VCF-style: chr8-16032696-C-T.
Other names: c.271G>A, p.Ala91Thr (NM_001363744.1); c.217G>A, p.Ala73Thr (NM_002445.4, NM_138716.3); short protein forms A73T, A91T.
Identifiers: ClinVar variation 2431546 (VCV002431546.1), dbSNP rs868009130, ClinGen allele CA173210008.

ClinVar aggregate classification (germline): Uncertain significance (1 of 4 stars; one submission).

Conditions:
Barrett esophagus. Also called: BARRETT METAPLASIA; Barrett's esophagus. Identifiers: Orphanet 99976, MedGen C0004763, MONDO:0013662, OMIM 614266, HP:0100580.

Submission:

Laboratorio de Genetica e Diagnostico Molecular, Hospital Israelita Albert Einstein
Classification: Uncertain significance for Barrett esophagus. Last evaluated: 2022-07-07. Review status: criteria provided, single submitter. Criteria: ACMG Guidelines, 2015. Collection method: clinical testing. Allele origin: germline. Affected: yes. Observed: 1 variant allele.
Comment: ACMG classification criteria: PM2 moderated, PP3 supporting